The following is an entry in ClinVar:

ClinVar aggregate classification (germline): Likely benign. Review status: criteria provided, multiple submitters, no conflicts (2 of 4 stars). 2 submissions from 2 submitters: Likely benign (2). Last evaluated 2023-12-01.

Allele frequency attached by ClinVar (database versions not stated): 1000 Genomes Project 30x 0.00016; ExAC 0.00040; 1000 Genomes Project 0.00020; TOPMed 0.00034; ESP Exome Variant Server 0.00038; gnomAD 0.00044.
gnomAD v4.1: 549 of 1,614,104 alleles (0.034%); highest among the groups gnomAD compares: Non-Finnish European, 0.04%; 1 homozygote.

Submissions (2):

CeGaT Center for Human Genetics Tuebingen
Classification: Likely benign. Last evaluated: 2023-12-01. Review status: criteria provided, single submitter. Criteria: CeGaT Center For Human Genetics Tuebingen Variant Classification Criteria Version 2. Collection method: clinical testing. Allele origin: germline. Affected: yes. Observed: 2 variant alleles.
Comment: INSRR: BP4

Ambry Genetics
Classification: Likely benign. Last evaluated: 2023-03-24. Review status: criteria provided, single submitter. Criteria: Ambry Variant Classification Scheme 2023. Collection method: clinical testing. Allele origin: germline.

NM_014215.3(INSRR):c.1786G>A (p.Val596Ile)

Genes: INSRR (insulin receptor related receptor; minus strand), NTRK1 (neurotrophic receptor tyrosine kinase 1; plus strand). Cytogenetic location: 1q23.1.
Variant type: single nucleotide variant.
Coding change: c.1786G>A on transcript NM_014215.3 (MANE Select); coding-DNA position 1786, G replaced by A.
Protein change: p.Val596Ile; replaces valine 596 with isoleucine.
Molecular consequence: missense variant. On other transcripts: intron variant (1).
Genome position (GRCh38, 1-based): chr1:156,846,543, C>T on the plus strand (G>A on the coding strand, the complement: INSRR is on the minus strand). VCF-style: chr1-156846543-C-T. GRCh37 (hg19) VCF-style: chr1-156816335-C-T.
Other names: c.122+4350C>T (NM_001007792.1); short protein forms V596I.
Identifiers: ClinVar variation 2512195 (VCV002512195.24), dbSNP rs138923152, ClinGen allele CA1168269.